The following is an entry in ClinVar:

NM_003628.6(PKP4):c.460G>A (p.Asp154Asn)

Gene: PKP4 (plakophilin 4; plus strand). Cytogenetic location: 2q24.1.
Variant type: single nucleotide variant.
Coding change: c.460G>A on transcript NM_003628.6 (MANE Select); coding-DNA position 460, G replaced by A.
Protein change: p.Asp154Asn; replaces aspartic acid 154 with asparagine.
Molecular consequence: missense variant. On other transcripts: 5 prime UTR variant (1).
Genome position (GRCh38, 1-based): chr2:158,621,278, G>A. VCF-style: chr2-158621278-G-A. GRCh37 (hg19) VCF-style: chr2-159477790-G-A.
Other names: c.460G>A, p.Asp154Asn (NM_001005476.4, NM_001304969.3, NM_001304971.2 and 6 more transcripts); c.-490G>A (NM_001304970.3); c.454G>A, p.Asp152Asn (NM_001377222.1, NM_001377223.1, NM_001377224.1); short protein forms D154N, D152N.
Identifiers: ClinVar variation 1741873 (VCV001741873.2), dbSNP rs763993742, ClinGen allele CA1920423.

ClinVar aggregate classification (germline): Uncertain significance (1 of 4 stars; one submission).

Allele frequency attached by ClinVar (database versions not stated): gnomAD 0.00001; ExAC 0.00002; TOPMed 0.00002.
gnomAD v4.1: 20 of 1,613,964 alleles (0.0012%); highest among the groups gnomAD compares: Middle Eastern, 0.016%; no homozygotes.

Submission:

Ambry Genetics
Classification: Uncertain significance. Last evaluated: 2022-10-07. Review status: criteria provided, single submitter. Criteria: Ambry Variant Classification Scheme 2023. Collection method: clinical testing. Allele origin: germline.
Comment: The p.D154N variant (also known as c.460G>A), located in coding exon 5 of the PKP4 gene, results from a G to A substitution at nucleotide position 460. The aspartic acid at codon 154 is replaced by asparagine, an amino acid with highly similar properties. This amino acid position is conserved. In addition, this alteration is predicted to be tolerated by in silico analysis. Since supporting evidence is limited at this time, the clinical significance of this alteration remains unclear.